The following is an entry in ClinVar:

NM_020297.4(ABCC9):c.4121G>A (p.Gly1374Glu)

Genes: ABCC9 (ATP binding cassette subfamily C member 9; minus strand), KCNJ8-AS1 (KCNJ8 antisense RNA 1; plus strand). Cytogenetic location: 12p12.1.
Variant type: single nucleotide variant.
Coding change: c.4121G>A on transcript NM_020297.4 (MANE Select); coding-DNA position 4121, G replaced by A.
Protein change: p.Gly1374Glu; replaces glycine 1374 with glutamic acid.
Molecular consequence: missense variant.
Genome position (GRCh38, 1-based): chr12:21,812,139, C>T on the plus strand (G>A on the coding strand, the complement: ABCC9 is on the minus strand). VCF-style: chr12-21812139-C-T. GRCh37 (hg19) VCF-style: chr12-21965073-C-T.
Other names: c.4121G>A, p.Gly1374Glu (NM_001377273.1, NM_005691.4); c.3254G>A, p.Gly1085Glu (NM_001377274.1); short protein forms G1085E, G1374E.
Identifiers: ClinVar variation 4823475 (VCV004823475.4).
Genomic context (GRCh38, chr12:21,812,139, plus strand): 5'-TGCAGAATGATTGAAAGTCTAGAACGTAGTGTGTGCAGTGGTAATTTGGAAATGTCTATC[C>T]CATCAATGACAATTTTTCCTGTTAAGGAGAAACAGAAGTTACACACACATAGTAAAATCA-3'
Protein context (NP_064693.2, residues 1364-1384): DIFDGKIVID[Gly1374Glu]IDISKLPLHT

ClinVar aggregate classification (germline): Uncertain significance (1 of 4 stars; one submission).

Submission:

CeGaT Center for Human Genetics Tuebingen
Classification: Uncertain significance. Last evaluated: 2026-03-01. Review status: criteria provided, single submitter. Criteria: CeGaT Center For Human Genetics Tuebingen Variant Classification Criteria Version 2. Collection method: clinical testing. Allele origin: germline. Affected: yes. Observed: 1 variant allele.
Comment: ABCC9: PM2, PP3